The following is an entry in ClinVar:

NM_001243279.3(ACSF3):c.1239G>A (p.Lys413=)

Gene: ACSF3 (acyl-CoA synthetase family member 3; plus strand). Cytogenetic location: 16q24.3.
Variant type: single nucleotide variant.
Coding change: c.1239G>A on transcript NM_001243279.3 (MANE Select); coding-DNA position 1239, G replaced by A.
Protein change: p.Lys413=; no amino-acid change (lysine 413 retained).
Molecular consequence: synonymous variant. On other transcripts: non-coding transcript variant (3).
Genome position (GRCh38, 1-based): chr16:89,120,913, G>A. VCF-style: chr16-89120913-G-A. GRCh37 (hg19) VCF-style: chr16-89187321-G-A.
Other names: c.1239G>A, p.Lys413= (NM_001127214.4, NM_174917.5); c.444G>A, p.Lys148= (NM_001284316.2).
Identifiers: ClinVar variation 388734 (VCV000388734.2), dbSNP rs757563817, ClinGen allele CA16607484.

ClinVar aggregate classification (germline): Uncertain significance (1 of 4 stars; one submission).

Submission:

GeneDx
Classification: Uncertain significance. Last evaluated: 2016-09-01. Review status: criteria provided, single submitter. Criteria: GeneDx Variant Classification (06012015). Collection method: clinical testing. Allele origin: germline. Affected: yes.
Comment: The c.1239 G>A variant has not been published as a pathogenic variant, nor has it been reported as a benign variant to our knowledge. The c.1239 G>A variant was not observed in approximately 6,500 individuals of European and African American ancestry in the NHLBI Exome Sequencing Project, indicating it is not a common benign variant in these populations. Several in-silico splice prediction models predict that c.1239 G>A damages the natural splice donor site of intron 7 and may lead to abnormal gene splicing. However, in the absence of RNA/functional studies, the actual effect of this sequence change in this individual is unknown. Therefore, based on the currently available information, it is unclear whether this variant is a pathogenic variant or a rare benign variant.